The following is an entry in ClinVar:

NM_001127511.3(APC):c.22G>C (p.Gly8Arg)

Gene: APC (APC regulator of Wnt signaling pathway; plus strand). Cytogenetic location: 5q22.2.
Variant type: single nucleotide variant.
Coding change: c.22G>C on transcript NM_001127511.3; coding-DNA position 22, G replaced by C.
Protein change: p.Gly8Arg; replaces glycine 8 with arginine.
Molecular consequence: missense variant. On other transcripts: 5 prime UTR variant (8), non-coding transcript variant (1), intron variant (5).
Genome position (GRCh38, 1-based): chr5:112,707,739, G>C. VCF-style: chr5-112707739-G-C. GRCh37 (hg19) VCF-style: chr5-112043436-G-C.
Other names: c.-162G>C (NM_001354895.2, NM_001407447.1, NM_001407452.1 and 3 more transcripts); c.22G>C, p.Gly8Arg (NM_001354897.2, NM_001354902.2, NM_001407446.1); c.-1197G>C (NM_001407470.1, NM_001407472.1); c.-19+90G>C (NM_001407448.1, NM_001407450.1, NM_001407457.1 and 1 more transcripts); c.-43+90G>C (NM_001407453.1); short protein forms G8R.
Identifiers: ClinVar variation 2782982 (VCV002782982.3), dbSNP rs777188684, ClinGen allele CA360611632.

ClinVar aggregate classification (germline): Uncertain significance (1 of 4 stars; one submission).

Conditions:
Familial adenomatous polyposis 1 (FAP1). Also called: FAMILIAL ADENOMATOUS POLYPOSIS 1, ATTENUATED; POLYPOSIS, ADENOMATOUS INTESTINAL. Identifiers: MedGen C2713442, MONDO:0021056, OMIM 175100. Disease mechanism: loss of function.

Submission:

Labcorp Genetics (formerly Invitae), Labcorp
Classification: Uncertain significance for Familial adenomatous polyposis 1. Last evaluated: 2025-08-01. Review status: criteria provided, single submitter. Criteria: Invitae Variant Classification Sherloc (09022015). Collection method: clinical testing. Allele origin: germline.
Comment: This variant occurs in a non-coding region of the APC gene. It does not change the encoded amino acid sequence of the APC protein. This variant is not present in population databases (gnomAD no frequency). This variant has not been reported in the literature in individuals affected with APC-related conditions. Experimental studies and prediction algorithms are not available or were not evaluated, and the functional significance of this variant is currently unknown. In summary, the available evidence is currently insufficient to determine the role of this variant in disease. Therefore, it has been classified as a Variant of Uncertain Significance.